The following is an entry in ClinVar:

NM_019032.6(ADAMTSL4):c.2041G>A (p.Gly681Arg)

Genes: ADAMTSL4 (ADAMTS like 4; plus strand), ADAMTSL4-AS2 (ADAMTSL4 antisense RNA 2; minus strand). Cytogenetic location: 1q21.2.
Variant type: single nucleotide variant.
Coding change: c.2041G>A on transcript NM_019032.6 (MANE Select); coding-DNA position 2041, G replaced by A.
Protein change: p.Gly681Arg; replaces glycine 681 with arginine.
Molecular consequence: missense variant.
Genome position (GRCh38, 1-based): chr1:150,557,329, G>A. VCF-style: chr1-150557329-G-A. GRCh37 (hg19) VCF-style: chr1-150529805-G-A.
Other names: c.1924G>A, p.Gly642Arg (NM_001288607.2); c.2110G>A, p.Gly704Arg (NM_001288608.2); c.2041G>A, p.Gly681Arg (NM_001378596.1, NM_025008.5); short protein forms G642R, G704R, G681R.
Identifiers: ClinVar variation 2070489 (VCV002070489.4), dbSNP rs371872840, ClinGen allele CA1078490.

ClinVar aggregate classification (germline): Uncertain significance. Review status: criteria provided, multiple submitters, no conflicts (2 of 4 stars). 4 submissions from 3 submitters: Uncertain significance (4). Last evaluated 2023-11-16.

Conditions:
Ectopia lentis 2, isolated, autosomal recessive (ECTOL2). Identifiers: Orphanet 1885, MedGen C3541474, MONDO:0009152, OMIM 225100.
Ectopia lentis et pupillae. Also called: ECTOPIA LENTIS WITH ECTOPIA OF PUPIL. Identifiers: Orphanet 1885, MedGen C1644196, MONDO:0009153, OMIM 225200.
Inborn genetic diseases. Identifiers: MedGen C0950123, MeSH D030342.

Allele frequency attached by ClinVar (database versions not stated): ExAC 0.00005; gnomAD 0.00007; ESP Exome Variant Server 0.00015.
gnomAD v4.1: 22 of 1,610,194 alleles (0.0014%); highest among the groups gnomAD compares: African/African-American, 0.021%; no homozygotes.

Submissions (4):

Labcorp Genetics (formerly Invitae), Labcorp
Classification: Uncertain significance. Last evaluated: 2023-11-16. Review status: criteria provided, single submitter. Criteria: Invitae Variant Classification Sherloc (09022015). Collection method: clinical testing. Allele origin: germline.
Comment: This sequence change replaces glycine, which is neutral and non-polar, with arginine, which is basic and polar, at codon 681 of the ADAMTSL4 protein (p.Gly681Arg). This variant is present in population databases (rs371872840, gnomAD 0.03%). This variant has not been reported in the literature in individuals affected with ADAMTSL4-related conditions. ClinVar contains an entry for this variant (Variation ID: 2070489). Advanced modeling of protein sequence and biophysical properties (such as structural, functional, and spatial information, amino acid conservation, physicochemical variation, residue mobility, and thermodynamic stability) has been performed at Invitae for this missense variant, however the output from this modeling did not meet the statistical confidence thresholds required to predict the impact of this variant on ADAMTSL4 protein function. In summary, the available evidence is currently insufficient to determine the role of this variant in disease. Therefore, it has been classified as a Variant of Uncertain Significance.

Genome-Nilou Lab
Classification: Uncertain significance for Ectopia lentis et pupillae. Last evaluated: 2023-04-11. Review status: criteria provided, single submitter. Criteria: ACMG Guidelines, 2015. Collection method: clinical testing. Allele origin: germline. Affected: no.

Genome-Nilou Lab
Classification: Uncertain significance for Ectopia lentis 2, isolated, autosomal recessive. Last evaluated: 2023-04-11. Review status: criteria provided, single submitter. Criteria: ACMG Guidelines, 2015. Collection method: clinical testing. Allele origin: germline. Affected: no.

Ambry Genetics
Classification: Uncertain significance for Inborn genetic diseases. Last evaluated: 2021-07-06. Review status: criteria provided, single submitter. Criteria: Ambry Variant Classification Scheme 2023. Collection method: clinical testing. Allele origin: germline.